The following is an entry in ClinVar:

NM_014252.4(SLC25A15):c.512A>G (p.His171Arg)

Gene: SLC25A15 (solute carrier family 25 member 15; plus strand). Cytogenetic location: 13q14.11.
Variant type: single nucleotide variant.
Coding change: c.512A>G on transcript NM_014252.4 (MANE Select); coding-DNA position 512, A replaced by G.
Protein change: p.His171Arg; replaces histidine 171 with arginine.
Molecular consequence: missense variant.
Genome position (GRCh38, 1-based): chr13:40,807,353, A>G. VCF-style: chr13-40807353-A-G. GRCh37 (hg19) VCF-style: chr13-41381489-A-G.
Other names: c.512A>G (NM_014252.3); short protein forms H171R.
Identifiers: ClinVar variation 2160362 (VCV002160362.2), dbSNP rs1205763015, ClinGen allele CA387918228.

ClinVar aggregate classification (germline): Uncertain significance. Review status: criteria provided, multiple submitters, no conflicts (2 of 4 stars). 2 submissions from 2 submitters: Uncertain significance (2). Last evaluated 2025-01-24.

Conditions:
Hyperornithinemia-hyperammonemia-homocitrullinuria syndrome (HHHS). Also called: HHH SYNDROME; Ornithine translocase deficiency. Identifiers: Orphanet 415, MedGen C0268540, MONDO:0009393, OMIM 238970.
Inborn genetic diseases. Identifiers: MedGen C0950123, MeSH D030342.

Allele frequency attached by ClinVar (database versions not stated): gnomAD exomes below 0.00001.
gnomAD v4.1: 5 of 1,613,986 alleles (0.00031%); highest among the groups gnomAD compares: Admixed American, 0.0017%; no homozygotes.

Submissions (2):

Ambry Genetics
Classification: Uncertain significance for Inborn genetic diseases. Last evaluated: 2025-01-24. Review status: criteria provided, single submitter. Criteria: Ambry Variant Classification Scheme 2023. Collection method: clinical testing. Allele origin: germline.

Labcorp Genetics (formerly Invitae), Labcorp
Classification: Uncertain significance for Hyperornithinemia-hyperammonemia-homocitrullinuria syndrome. Last evaluated: 2022-02-06. Review status: criteria provided, single submitter. Criteria: Invitae Variant Classification Sherloc (09022015). Collection method: clinical testing. Allele origin: germline.
Comment: This sequence change replaces histidine, which is basic and polar, with arginine, which is basic and polar, at codon 171 of the SLC25A15 protein (p.His171Arg). This variant is present in population databases (no rsID available, gnomAD 0.003%). This variant has not been reported in the literature in individuals affected with SLC25A15-related conditions. Algorithms developed to predict the effect of missense changes on protein structure and function output the following: SIFT: "Tolerated"; PolyPhen-2: "Benign"; Align-GVGD: "Class C0". The arginine amino acid residue is found in multiple mammalian species, which suggests that this missense change does not adversely affect protein function. In summary, the available evidence is currently insufficient to determine the role of this variant in disease. Therefore, it has been classified as a Variant of Uncertain Significance.